The following is an entry in ClinVar:

Conditions:
Breast-ovarian cancer, familial, susceptibility to, 1 (BROVCA1). Also called: BRCA1 Hereditary Breast and Ovarian Cancer; OVARIAN CANCER, SUSCEPTIBILITY TO. Identifiers: Orphanet 145, MedGen C2676676, MONDO:0011450, OMIM 604370. Disease mechanism: loss of function.

Submission:

Brotman Baty Institute, University of Washington
No classification provided (evidence only). Condition: Breast-ovarian cancer, familial 1. Review status: no classification provided. Collection method: in vitro. Allele origin: not applicable. Functional consequence: functionally_normal.
ClinVar note: "not provided" was previously submitted as the classification for the variant. However, the classification appeared to be based only on an observation of functional data so it was converted to no classification on 2025-07-30.

NM_007294.4(BRCA1):c.4944A>C (p.Lys1648Asn)

Gene: BRCA1 (BRCA1 DNA repair associated; minus strand). Cytogenetic location: 17q21.31.
Variant type: single nucleotide variant.
Coding change: c.4944A>C on transcript NM_007294.4 (MANE Select); coding-DNA position 4944, A replaced by C.
Protein change: p.Lys1648Asn; replaces lysine 1648 with asparagine.
Molecular consequence: missense variant. On other transcripts: non-coding transcript variant (1).
Genome position (GRCh38, 1-based): chr17:43,070,970, T>G on the plus strand (A>C on the coding strand, the complement: BRCA1 is on the minus strand). VCF-style: chr17-43070970-T-G. GRCh37 (hg19) VCF-style: chr17-41222987-T-G.
Other names: c.1632A>C, p.Lys544Asn (NM_001407981.1, NM_001407982.1, NM_001407983.1 and 13 more transcripts); c.1629A>C, p.Lys543Asn (NM_001408402.1, NM_001408403.1, NM_001408404.1 and 8 more transcripts); c.1626A>C, p.Lys542Asn (NM_001408406.1, NM_001408407.1, NM_001408408.1); c.1623A>C, p.Lys541Asn (NM_001408409.1); c.1560A>C, p.Lys520Asn (NM_001408410.1); c.1557A>C, p.Lys519Asn (NM_001408411.1); c.1515A>C, p.Lys505Asn (NM_001408423.1, NM_001408424.1, NM_001408421.1 and 1 more transcripts); c.1512A>C, p.Lys504Asn (NM_001408425.1, NM_001408426.1, NM_001408427.1 and 4 more transcripts); and 70 more; short protein forms K1601N, K1648N, K544N, K1669N, K1351N, K1479N, K1494N, K1535N.
Identifiers: ClinVar variation 868436 (VCV000868436.3), dbSNP rs2052368958, ClinGen allele CA10591636.
Genomic context (GRCh38, chr17:43,070,970, plus strand): 5'-ACATATGGATACACTCACAAATTCTTCTGGGGTCAGGCCAGACACCACCATGGACATTCT[T>G]TTGTTGACCCTTTCTGTTGAAGCTGTCAATTCTGGCTTCTCCCTGCTCACACTTTCTTCC-3'
Protein context (NP_009225.1, residues 1638-1658): ELTASTERVN[Lys1648Asn]RMSMVVSGLT